The following is an entry in ClinVar:

NM_021913.5(AXL):c.821G>A (p.Gly274Glu)

Gene: AXL (AXL receptor tyrosine kinase; plus strand). Cytogenetic location: 19q13.2.
Variant type: single nucleotide variant.
Coding change: c.821G>A on transcript NM_021913.5 (MANE Select); coding-DNA position 821, G replaced by A.
Protein change: p.Gly274Glu; replaces glycine 274 with glutamic acid.
Molecular consequence: missense variant.
Genome position (GRCh38, 1-based): chr19:41,237,981, G>A. VCF-style: chr19-41237981-G-A. GRCh37 (hg19) VCF-style: chr19-41743886-G-A.
Other names: c.17G>A, p.Gly6Glu (NM_001278599.2); c.821G>A, p.Gly274Glu (NM_001699.6); short protein forms G274E, G6E.
Identifiers: ClinVar variation 1442945 (VCV001442945.6), dbSNP rs747220380, ClinGen allele CA9458089.
Genomic context (GRCh38, chr19:41,237,981, plus strand): 5'-CTCACACCCTTGCCTCTCCTCAGGCTGTGCTGTCAGACGATGGGATGGGCATCCAGGCGG[G>A]AGAACCAGACCCCCCAGAGGAGCCCCTCACCTCGCAAGCATCCGTGCCCCCCCATCAGCT-3'
Protein context (NP_068713.2, residues 264-284): LSDDGMGIQA[Gly274Glu]EPDPPEEPLT

ClinVar aggregate classification (germline): Uncertain significance (1 of 4 stars; one submission).

Allele frequency attached by ClinVar (database versions not stated): gnomAD exomes 0.00013 and 0.00018; ExAC 0.00014; TOPMed 0.00015; gnomAD 0.00017 and 0.00018.
gnomAD v4.1: 238 of 1,613,782 alleles (0.015%); highest among the groups gnomAD compares: Middle Eastern, 0.16%; no homozygotes.

Submission:

Labcorp Genetics (formerly Invitae), Labcorp
Classification: Uncertain significance. Last evaluated: 2022-04-16. Review status: criteria provided, single submitter. Criteria: Invitae Variant Classification Sherloc (09022015). Collection method: clinical testing. Allele origin: germline.
Comment: This sequence change replaces glycine, which is neutral and non-polar, with glutamic acid, which is acidic and polar, at codon 274 of the AXL protein (p.Gly274Glu). In summary, the available evidence is currently insufficient to determine the role of this variant in disease. Therefore, it has been classified as a Variant of Uncertain Significance. Algorithms developed to predict the effect of missense changes on protein structure and function (SIFT, PolyPhen-2, Align-GVGD) all suggest that this variant is likely to be tolerated. This variant has not been reported in the literature in individuals affected with AXL-related conditions. This variant is present in population databases (rs747220380, gnomAD 0.08%), and has an allele count higher than expected for a pathogenic variant.